The following is an entry in ClinVar:

ClinVar aggregate classification (germline): Benign/Likely benign. Review status: criteria provided, multiple submitters, no conflicts (2 of 4 stars). 7 submissions from 7 submitters: Benign (5); Likely benign (2). Last evaluated 2026-09-01.

Conditions:
APC-related disorder. Also called: APC-related condition.
Classic or attenuated familial adenomatous polyposis. Identifiers: MedGen CN372698, MONDO:0021057.
Familial adenomatous polyposis 1 (FAP1). Also called: FAMILIAL ADENOMATOUS POLYPOSIS 1, ATTENUATED; POLYPOSIS, ADENOMATOUS INTESTINAL. Identifiers: MedGen C2713442, MONDO:0021056, OMIM 175100. Disease mechanism: loss of function.

Allele frequency attached by ClinVar (database versions not stated): TOPMed 0.00592; gnomAD 0.00719 and 0.00733; 1000 Genomes Project 30x 0.00734; 1000 Genomes Project 0.00879.
gnomAD v4.1: 6,175 of 758,894 alleles (0.81%); highest among the groups gnomAD compares: Non-Finnish European, 0.96%; 36 homozygotes.

Submissions (7):

CeGaT Center for Human Genetics Tuebingen
Classification: Benign. Last evaluated: 2026-09-01. Review status: criteria provided, single submitter. Criteria: CeGaT Center For Human Genetics Tuebingen Variant Classification Criteria Version 2. Collection method: clinical testing. Allele origin: germline. Affected: yes. Observed: 124 variant alleles.
Comment: APC: BS1, BS2

Labcorp Genetics (formerly Invitae), Labcorp
Classification: Benign for Familial adenomatous polyposis 1. Last evaluated: 2026-02-03. Review status: criteria provided, single submitter. Criteria: Invitae Variant Classification Sherloc (09022015). Collection method: clinical testing. Allele origin: germline.

PreventionGenetics, part of Exact Sciences
Classification: Benign for APC-related condition. Last evaluated: 2025-09-08. Review status: criteria provided, single submitter. Criteria: ACMG Guidelines, 2015. Collection method: clinical testing. Allele origin: germline.
Comment: This variant is classified as benign based on ACMG/AMP sequence variant interpretation guidelines (Richards et al. 2015 PMID: 25741868, with internal and published modifications).

Center for Genomic Medicine, Rigshospitalet, Copenhagen University Hospital
Classification: Likely benign. Last evaluated: 2025-03-04. Review status: criteria provided, single submitter. Criteria: ACMG Guidelines, 2015. Collection method: clinical testing. Allele origin: germline.

Blueprint Genetics
Classification: Likely benign. Last evaluated: 2024-11-26. Review status: criteria provided, single submitter. Criteria: ACMG Guidelines, 2015. Collection method: clinical testing. Allele origin: germline.

Department of Pathology and Laboratory Medicine, Sinai Health System
Classification: Benign for classic or attenuated familial adenomatous polyposis. Last evaluated: 2022-05-25. Review status: criteria provided, single submitter. Criteria: ACMG Guidelines, 2015. Collection method: clinical testing. Allele origin: germline. Affected: no.

GeneDx
Classification: Benign. Last evaluated: 2017-10-06. Review status: criteria provided, single submitter. Criteria: GeneDx Variant Classification (06012015). Collection method: clinical testing. Allele origin: germline. Affected: yes.
Comment: This variant is considered likely benign or benign based on one or more of the following criteria: it is a conservative change, it occurs at a poorly conserved position in the protein, it is predicted to be benign by multiple in silico algorithms, and/or has population frequency not consistent with disease.

Literature cited by the submitters: PubMed 28105931 (cited by Center for Genomic Medicine, Rigshospitalet, Copenhagen University Hospital).

NM_001127511.3(APC):c.-152C>T

Gene: APC (APC regulator of Wnt signaling pathway; plus strand). Cytogenetic location: 5q22.2.
Variant type: single nucleotide variant.
Coding change: c.-152C>T on transcript NM_001127511.3; 152 bases upstream of the start codon, C replaced by T.
Molecular consequence: 5 prime UTR variant. On other transcripts: genic upstream transcript variant (1), non-coding transcript variant (2).
Genome position (GRCh38, 1-based): chr5:112,707,566, C>T. VCF-style: chr5-112707566-C-T. GRCh37 (hg19) VCF-style: chr5-112043263-C-T.
Other names: c.-30378C>T (NM_000038.6); c.-335C>T (NM_001354895.2, NM_001407447.1, NM_001407452.1 and 3 more transcripts); c.-152C>T (NM_001354897.2, NM_001354902.2, NM_001407446.1); c.-102C>T (NM_001407448.1, NM_001407450.1, NM_001407457.1 and 1 more transcripts); c.-126C>T (NM_001407453.1); c.-1370C>T (NM_001407470.1, NM_001407472.1).
Identifiers: ClinVar variation 469844 (VCV000469844.83), dbSNP rs138386816, ClinGen allele CA124924898.